The following is an entry in ClinVar:

NC_000001.10:g.(?_65299551)_(67861772_?)del

Genes: AK4 (adenylate kinase 4; plus strand), C1orf141 (chromosome 1 open reading frame 141; minus strand), DNAI4 (dynein axonemal intermediate chain 4; minus strand), DNAJC6 (DnaJ heat shock protein family (Hsp40) member C6; plus strand), DYNLT5 (dynein light chain Tctex-type family member 5; plus strand) and 11 more. Cytogenetic location: 1p31.3.
Variant type: Deletion.
Identifiers: ClinVar variation 2424397 (VCV002424397.3).

ClinVar aggregate classification (germline): Pathogenic (1 of 4 stars; one submission).

Submission:

Labcorp Genetics (formerly Invitae), Labcorp
Classification: Pathogenic. Last evaluated: 2022-09-12. Review status: criteria provided, single submitter. Criteria: Invitae Variant Classification Sherloc (09022015). Collection method: clinical testing. Allele origin: germline.
Comment: A gross deletion of the genomic region encompassing the full coding sequence of the LEPR gene has been identified. Loss-of-function variants in LEPR are known to be pathogenic (PMID: 23616257, 24319006, 25751111). The boundaries of this event are unknown as they extend beyond the assayed region for this gene and therefore may encompass additional genes. Isolated whole-gene deletions of LEPR have not been reported in the literature. However, larger copy number events that include this gene have been reported (PMID: 21416589). For these reasons, this variant has been classified as Pathogenic.

Literature cited by the submitters: PubMed 23616257; PubMed 24319006; PubMed 25751111; PubMed 21416589.